The following is an entry in ClinVar:

NM_001698.3(AUH):c.584A>C (p.Asp195Ala)

Gene: AUH (AU RNA binding methylglutaconyl-CoA hydratase; minus strand). Cytogenetic location: 9q22.31.
Variant type: single nucleotide variant.
Coding change: c.584A>C on transcript NM_001698.3 (MANE Select); coding-DNA position 584, A replaced by C.
Protein change: p.Asp195Ala; replaces aspartic acid 195 with alanine.
Molecular consequence: missense variant.
Genome position (GRCh38, 1-based): chr9:91,297,998, T>G on the plus strand (A>C on the coding strand, the complement: AUH is on the minus strand). VCF-style: chr9-91297998-T-G. GRCh37 (hg19) VCF-style: chr9-94060280-T-G.
Other names: c.497A>C, p.Asp166Ala (NM_001306190.2); c.257A>C, p.Asp86Ala (NM_001351431.2, NM_001351432.2, NM_001351433.2); short protein forms D166A, D195A, D86A.
Identifiers: ClinVar variation 936310 (VCV000936310.10), dbSNP rs1827482942, ClinGen allele CA373836859.

ClinVar aggregate classification (germline): Likely pathogenic (1 of 4 stars; one submission).

Conditions:
3-methylglutaconic aciduria type 1 (MGCA1). Identifiers: Orphanet 67046, MedGen C0342727, MONDO:0009610, OMIM 250950.

gnomAD v4.1: 1 of 1,609,634 alleles (0.000062%); no homozygotes.

Submission:

Labcorp Genetics (formerly Invitae), Labcorp
Classification: Likely pathogenic for 3-methylglutaconic aciduria type 1. Last evaluated: 2023-03-10. Review status: criteria provided, single submitter. Criteria: Invitae Variant Classification Sherloc (09022015). Collection method: clinical testing. Allele origin: germline.
Comment: In summary, the currently available evidence indicates that the variant is pathogenic, but additional data are needed to prove that conclusively. Therefore, this variant has been classified as Likely Pathogenic. Advanced modeling of protein sequence and biophysical properties (such as structural, functional, and spatial information, amino acid conservation, physicochemical variation, residue mobility, and thermodynamic stability) performed at Invitae indicates that this missense variant is expected to disrupt AUH protein function. This sequence change replaces aspartic acid, which is acidic and polar, with alanine, which is neutral and non-polar, at codon 195 of the AUH protein (p.Asp195Ala). ClinVar contains an entry for this variant (Variation ID: 936310). This missense change has been observed in individual(s) with methylglutaconic aciduria (Invitae). In at least one individual the data is consistent with being in trans (on the opposite chromosome) from a pathogenic variant. This variant is not present in population databases (gnomAD no frequency).